The following is an entry in ClinVar:

NM_025163.4(PIGZ):c.1011G>A (p.Ala337=)

Gene: PIGZ (phosphatidylinositol glycan anchor biosynthesis class Z (Gwada blood group); minus strand). Cytogenetic location: 3q29.
Variant type: single nucleotide variant.
Coding change: c.1011G>A on transcript NM_025163.4 (MANE Select); coding-DNA position 1011, G replaced by A.
Protein change: p.Ala337=; no amino-acid change (alanine 337 retained).
Molecular consequence: synonymous variant.
Genome position (GRCh38, 1-based): chr3:196,947,886, C>T on the plus strand (G>A on the coding strand, the complement: PIGZ is on the minus strand). VCF-style: chr3-196947886-C-T. GRCh37 (hg19) VCF-style: chr3-196674757-C-T.
Identifiers: ClinVar variation 2654516 (VCV002654516.24), dbSNP rs200276317, ClinGen allele CA2783787.

ClinVar aggregate classification (germline): Likely benign (1 of 4 stars; one submission).

Allele frequency attached by ClinVar (database versions not stated): 1000 Genomes Project 30x 0.00016; 1000 Genomes Project 0.00020; ExAC 0.00021; ESP Exome Variant Server 0.00023; gnomAD 0.00033; TOPMed 0.00035; gnomAD exomes 0.00063.
gnomAD v4.1: 955 of 1,613,938 alleles (0.059%); highest among the groups gnomAD compares: Non-Finnish European, 0.077%; no homozygotes.

Submission:

CeGaT Center for Human Genetics Tuebingen
Classification: Likely benign. Last evaluated: 2022-03-01. Review status: criteria provided, single submitter. Criteria: CeGaT Center For Human Genetics Tuebingen Variant Classification Criteria Version 2. Collection method: clinical testing. Allele origin: germline. Affected: yes. Observed: 1 variant allele.
Comment: PIGZ: BP4, BP7